The following is an entry in ClinVar:

NM_001303256.3(MORC2):c.518A>C (p.Tyr173Ser)

Gene: MORC2 (MORC family CW-type zinc finger 2; minus strand). Cytogenetic location: 22q12.2.
Variant type: single nucleotide variant.
Coding change: c.518A>C on transcript NM_001303256.3 (MANE Select); coding-DNA position 518, A replaced by C.
Protein change: p.Tyr173Ser; replaces tyrosine 173 with serine.
Molecular consequence: missense variant.
Genome position (GRCh38, 1-based): chr22:30,942,180, T>G on the plus strand (A>C on the coding strand, the complement: MORC2 is on the minus strand). VCF-style: chr22-30942180-T-G. GRCh37 (hg19) VCF-style: chr22-31338167-T-G.
Other names: c.518A>C, p.Tyr173Ser (NM_001303257.2); c.332A>C, p.Tyr111Ser (NM_014941.3); short protein forms Y111S, Y173S.
Identifiers: ClinVar variation 835113 (VCV000835113.26), dbSNP rs144248516, ClinGen allele CA10187232.
Genomic context (GRCh38, chr22:30,942,180, plus strand): 5'-CCAGGAATCTTCATAAACTGGGTCATCACTTCCTCCTCAGTGCGGAATGGAGAGTACTTA[T>G]AGATGAGTTCTGTCTCAATGGCAAATTTCTCTACATTGTCTGTGACAGGTTCCCGGGTCC-3'
Protein context (NP_001290185.1, residues 163-183): EKFAIETELI[Tyr173Ser]KYSPFRTEEE

ClinVar aggregate classification (germline): Conflicting classifications of pathogenicity. Review status: criteria provided, conflicting classifications (1 of 4 stars). 4 submissions from 4 submitters: Uncertain significance (2); Likely benign (2). Last evaluated 2026-04-08.

Conditions:
MORC2-related disorder. Also called: MORC2-related condition.
Charcot-Marie-Tooth disease axonal type 2Z. Also called: CHARCOT-MARIE-TOOTH DISEASE, AXONAL, AUTOSOMAL DOMINANT, TYPE 2Z; CHARCOT-MARIE-TOOTH NEUROPATHY, TYPE 2Z. Identifiers: Orphanet 466768, MedGen C5569025, MONDO:0014736, OMIM 616688.
Inborn genetic diseases. Identifiers: MedGen C0950123, MeSH D030342.

Allele frequency attached by ClinVar (database versions not stated): gnomAD 0.00001; TOPMed 0.00001; gnomAD exomes 0.00004; ExAC 0.00005; ESP Exome Variant Server 0.00015.
gnomAD v4.1: 78 of 1,614,062 alleles (0.0048%); highest among the groups gnomAD compares: Non-Finnish European, 0.0065%; no homozygotes.

Submissions (4):

PreventionGenetics, part of Exact Sciences
Classification: Uncertain significance for MORC2-related condition. Last evaluated: 2026-04-08. Review status: criteria provided, single submitter. Criteria: ACMG Guidelines, 2015. Collection method: clinical testing. Allele origin: germline.
Comment: The MORC2 c.518A>C variant is predicted to result in the amino acid substitution p.Tyr173Ser. To our knowledge, this variant has not been reported in the literature. This variant is reported in 0.0088% of alleles in individuals of European (Non-Finnish) descent in gnomAD. At this time, the clinical significance of this variant is uncertain due to the absence of conclusive functional and genetic evidence.

Labcorp Genetics (formerly Invitae), Labcorp
Classification: Uncertain significance for Charcot-Marie-Tooth disease axonal type 2Z. Last evaluated: 2025-08-12. Review status: criteria provided, single submitter. Criteria: Invitae Variant Classification Sherloc (09022015). Collection method: clinical testing. Allele origin: germline.
Comment: This sequence change replaces tyrosine, which is neutral and polar, with serine, which is neutral and polar, at codon 173 of the MORC2 protein (p.Tyr173Ser). This variant is present in population databases (rs144248516, gnomAD 0.007%). This variant has not been reported in the literature in individuals affected with MORC2-related conditions. ClinVar contains an entry for this variant (Variation ID: 835113). Invitae Evidence Modeling of protein sequence and biophysical properties (such as structural, functional, and spatial information, amino acid conservation, physicochemical variation, residue mobility, and thermodynamic stability) indicates that this missense variant is expected to disrupt MORC2 protein function with a positive predictive value of 95%. In summary, the available evidence is currently insufficient to determine the role of this variant in disease. Therefore, it has been classified as a Variant of Uncertain Significance.

CeGaT Center for Human Genetics Tuebingen
Classification: Likely benign. Last evaluated: 2024-12-01. Review status: criteria provided, single submitter. Criteria: CeGaT Center For Human Genetics Tuebingen Variant Classification Criteria Version 2. Collection method: clinical testing. Allele origin: germline. Affected: yes. Observed: 1 variant allele.
Comment: MORC2: BS2

Ambry Genetics
Classification: Likely benign for Inborn genetic diseases. Last evaluated: 2020-07-06. Review status: criteria provided, single submitter. Criteria: Ambry Variant Classification Scheme 2023. Collection method: clinical testing. Allele origin: germline.